The following is an entry in ClinVar:

NM_130837.3(OPA1):c.245A>G (p.Tyr82Cys)

Gene: OPA1 (OPA1 mitochondrial dynamin like GTPase; plus strand). Cytogenetic location: 3q29.
Variant type: single nucleotide variant.
Coding change: c.245A>G on transcript NM_130837.3 (MANE Select); coding-DNA position 245, A replaced by G.
Protein change: p.Tyr82Cys; replaces tyrosine 82 with cysteine.
Molecular consequence: missense variant. On other transcripts: 5 prime UTR variant (2).
Genome position (GRCh38, 1-based): chr3:193,614,935, A>G. VCF-style: chr3-193614935-A-G. GRCh37 (hg19) VCF-style: chr3-193332724-A-G.
Other names: c.245A>G (NM_015560.2); c.-128A>G (NM_001354663.2, NM_001354664.2); c.245A>G, p.Tyr82Cys (NM_015560.3, NM_130831.3, NM_130832.3 and 4 more transcripts); short protein forms Y82C.
Identifiers: ClinVar variation 502104 (VCV000502104.17), dbSNP rs749063844, ClinGen allele CA2758956.

ClinVar aggregate classification (germline): Conflicting classifications of pathogenicity. Review status: criteria provided, conflicting classifications (1 of 4 stars). 5 submissions from 5 submitters: Uncertain significance (4); Likely benign (1). Last evaluated 2025-12-16.

Conditions:
OPA1-related disorder. Also called: OPA1-related condition; OPA1-related disorders.
Abortive cerebellar ataxia (BEHRS). Also called: Behr syndrome; OPTIC ATROPHY, INFANTILE HEREDITARY, WITH NEUROLOGIC ABNORMALITIES. Identifiers: Orphanet 1239, MedGen C0221061, MONDO:0008858, OMIM 210000.

Allele frequency attached by ClinVar (database versions not stated): TOPMed 0.00001; gnomAD exomes 0.00002 and 0.00003; ExAC 0.00004.
gnomAD v4.1: 24 of 1,613,952 alleles (0.0015%); highest among the groups gnomAD compares: Non-Finnish European, 0.002%; no homozygotes.

Submissions (5):

PreventionGenetics, part of Exact Sciences
Classification: Uncertain significance for OPA1-related condition. Last evaluated: 2025-12-16. Review status: criteria provided, single submitter. Criteria: ACMG Guidelines, 2015. Collection method: clinical testing. Allele origin: germline.
Comment: The OPA1 c.245A>G variant is predicted to result in the amino acid substitution p.Tyr82Cys. This variant, also referred to as c.245A>G (p.Tyr82Cys) in alternate transcript NM_015560, has been reported in a large cohort of individuals with optic atrophy (supplementary data, Le Roux et al. 2019. PubMed ID: 31500643). This variant is reported in 0.0063% of alleles in individuals of European (Non-Finnish) descent in gnomAD. At this time, the clinical significance of this variant is uncertain due to the absence of conclusive functional and genetic evidence.

Labcorp Genetics (formerly Invitae), Labcorp
Classification: Likely benign. Last evaluated: 2025-11-10. Review status: criteria provided, single submitter. Criteria: Invitae Variant Classification Sherloc (09022015). Collection method: clinical testing. Allele origin: germline.

GeneDx
Classification: Uncertain significance. Last evaluated: 2025-04-25. Review status: criteria provided, single submitter. Criteria: GeneDx Variant Classification Process June 2021. Collection method: clinical testing. Allele origin: germline. Affected: yes.
Comment: In silico analysis supports that this missense variant has a deleterious effect on protein structure/function; Has not been previously published as pathogenic or benign to our knowledge; This variant is associated with the following publications: (PMID: 31500643)

Eurofins Ntd Llc (ga)
Classification: Uncertain significance. Last evaluated: 2017-05-26. Review status: criteria provided, single submitter. Criteria: EGL Classification Definitions 2015. Collection method: clinical testing. Allele origin: germline. Observed: 1 variant allele, 1 heterozygote.

Centre for Mendelian Genomics, University Medical Centre Ljubljana
Classification: Uncertain significance for Abortive cerebellar ataxia. Last evaluated: 2016-01-01. Review status: criteria provided, single submitter. Criteria: ACMG Guidelines, 2015. Collection method: clinical testing. Allele origin: unknown. Affected: yes.
Comment: This variant was classified as: Uncertain significance. The following ACMG criteria were applied in classifying this variant: PP3.